The following is an entry in ClinVar:

NM_001243133.2(NLRP3):c.1094A>T (p.His365Leu)

Gene: NLRP3 (NLR family pyrin domain containing 3; plus strand). Cytogenetic location: 1q44.
Variant type: single nucleotide variant.
Coding change: c.1094A>T on transcript NM_001243133.2 (MANE Select); coding-DNA position 1094, A replaced by T.
Protein change: p.His365Leu; replaces histidine 365 with leucine.
Molecular consequence: missense variant.
Genome position (GRCh38, 1-based): chr1:247,424,543, A>T. VCF-style: chr1-247424543-A-T. GRCh37 (hg19) VCF-style: chr1-247587845-A-T.
Other names: c.1094A>T, p.His365Leu (NM_183395.3, NM_001079821.3, NM_001127461.3 and 1 more transcripts); c.1100A>T, p.His367Leu (NM_004895.5); short protein forms H367L, H365L.
Identifiers: ClinVar variation 3701198 (VCV003701198.2).

ClinVar aggregate classification (germline): Uncertain significance (1 of 4 stars; one submission).

Conditions:
Cryopyrin associated periodic syndrome (CAPS). Identifiers: Orphanet 208650, MedGen C2316212, MONDO:0016168.

Submission:

Labcorp Genetics (formerly Invitae), Labcorp
Classification: Uncertain significance for Cryopyrin associated periodic syndrome. Last evaluated: 2024-06-13. Review status: criteria provided, single submitter. Criteria: Invitae Variant Classification Sherloc (09022015). Collection method: clinical testing. Allele origin: germline.
Comment: This sequence change replaces histidine, which is basic and polar, with leucine, which is neutral and non-polar, at codon 367 of the NLRP3 protein (p.His367Leu). This variant is not present in population databases (gnomAD no frequency). This variant has not been reported in the literature in individuals affected with NLRP3-related conditions. Advanced modeling of protein sequence and biophysical properties (such as structural, functional, and spatial information, amino acid conservation, physicochemical variation, residue mobility, and thermodynamic stability) has been performed at Invitae for this missense variant, however the output from this modeling did not meet the statistical confidence thresholds required to predict the impact of this variant on NLRP3 protein function. In summary, the available evidence is currently insufficient to determine the role of this variant in disease. Therefore, it has been classified as a Variant of Uncertain Significance.